The following is an entry in ClinVar:

ClinVar aggregate classification (germline): Conflicting classifications of pathogenicity. Review status: criteria provided, conflicting classifications (1 of 4 stars). 2 submissions from 2 submitters: Uncertain significance (1); Likely benign (1). Last evaluated 2023-03-23.

Conditions:
Hereditary cancer-predisposing syndrome. Also called: Neoplastic Syndromes, Hereditary; Tumor predisposition; Hereditary Cancer Syndrome; Hereditary neoplastic syndrome. Identifiers: Orphanet 140162, MedGen C0027672, MeSH D009386, MONDO:0015356.

gnomAD v4.1: 1 of 1,611,038 alleles (0.000062%); highest among the groups gnomAD compares: Non-Finnish European, 0.000085%; no homozygotes.

Submissions (2):

University of Washington Department of Laboratory Medicine, University of Washington
Classification: Likely benign for Hereditary cancer-predisposing syndrome. Last evaluated: 2023-03-23. Review status: criteria provided, single submitter. Criteria: Dines et al. (Genet Med. 2020). Collection method: curation. Allele origin: germline.
Comment: Missense variant in a coldspot region where missense variants are very unlikely to be pathogenic (PMID:31911673).

BRCA2 exon 11 coldspot. Reclassification based on statistical prior probability.

Ambry Genetics
Classification: Uncertain significance for Hereditary cancer-predisposing syndrome. Last evaluated: 2019-07-29. Review status: criteria provided, single submitter. Criteria: Ambry Variant Classification Scheme 2023. Collection method: clinical testing. Allele origin: germline.
Comment: The p.D806V variant (also known as c.2417A>T), located in coding exon 10 of the BRCA2 gene, results from an A to T substitution at nucleotide position 2417. The aspartic acid at codon 806 is replaced by valine, an amino acid with highly dissimilar properties. This amino acid position is poorly conserved in available vertebrate species. In addition, this alteration is predicted to be tolerated by in silico analysis. Since supporting evidence is limited at this time, the clinical significance of this alteration remains unclear.

NM_000059.4(BRCA2):c.2417A>T (p.Asp806Val)

Gene: BRCA2 (BRCA2 DNA repair associated; plus strand). Cytogenetic location: 13q13.1.
Variant type: single nucleotide variant.
Coding change: c.2417A>T on transcript NM_000059.4 (MANE Select); coding-DNA position 2417, A replaced by T.
Protein change: p.Asp806Val; replaces aspartic acid 806 with valine.
Molecular consequence: missense variant.
Genome position (GRCh38, 1-based): chr13:32,336,772, A>T. VCF-style: chr13-32336772-A-T. GRCh37 (hg19) VCF-style: chr13-32910909-A-T.
Other names: short protein forms D806V.
Identifiers: ClinVar variation 821147 (VCV000821147.6), dbSNP rs80358506, ClinGen allele CA387772075.